The following is an entry in ClinVar:

ClinVar aggregate classification (germline): Uncertain significance (1 of 4 stars; one submission).

gnomAD v4.1: 1 of 1,614,030 alleles (0.000062%); no homozygotes.

Submission:

Labcorp Genetics (formerly Invitae), Labcorp
Classification: Uncertain significance. Last evaluated: 2025-10-24. Review status: criteria provided, single submitter. Criteria: Invitae Variant Classification Sherloc (09022015). Collection method: clinical testing. Allele origin: germline.
Comment: This sequence change replaces isoleucine, which is neutral and non-polar, with valine, which is neutral and non-polar, at codon 589 of the TCIRG1 protein (p.Ile589Val). This variant is not present in population databases (gnomAD no frequency). This variant has not been reported in the literature in individuals affected with TCIRG1-related conditions. ClinVar contains an entry for this variant (Variation ID: 2110347). Invitae Evidence Modeling of protein sequence and biophysical properties (such as structural, functional, and spatial information, amino acid conservation, physicochemical variation, residue mobility, and thermodynamic stability) indicates that this missense variant is not expected to disrupt TCIRG1 protein function with a negative predictive value of 80%. In summary, the available evidence is currently insufficient to determine the role of this variant in disease. Therefore, it has been classified as a Variant of Uncertain Significance.

NM_006019.4(TCIRG1):c.1765A>G (p.Ile589Val)

Gene: TCIRG1 (T cell immune regulator 1, ATPase H+ transporting V0 subunit a3; plus strand). Cytogenetic location: 11q13.2.
Variant type: single nucleotide variant.
Coding change: c.1765A>G on transcript NM_006019.4 (MANE Select); coding-DNA position 1765, A replaced by G.
Protein change: p.Ile589Val; replaces isoleucine 589 with valine.
Molecular consequence: missense variant.
Genome position (GRCh38, 1-based): chr11:68,049,172, A>G. VCF-style: chr11-68049172-A-G. GRCh37 (hg19) VCF-style: chr11-67816639-A-G.
Other names: c.871A>G, p.Ile291Val (NM_001351059.2); c.1117A>G, p.Ile373Val (NM_006053.4); short protein forms I291V, I589V, I373V.
Identifiers: ClinVar variation 2110347 (VCV002110347.4), dbSNP rs2495658546, ClinGen allele CA381586671.
Genomic context (GRCh38, chr11:68,049,172, plus strand): 5'-GAGACGCTGCCGGAGCTCACCTTCCTGCTGGGACTCTTCGGTTACCTCGTGTTCCTAGTC[A>G]TCTACAAGTGGCTGTGTGTCTGGGCTGCCAGGGCCGCCTCGGCCCCCAGCATCCTCATCC-3'
Protein context (NP_006010.2, residues 579-599): GLFGYLVFLV[Ile589Val]YKWLCVWAAR